The following is an entry in ClinVar:

ClinVar aggregate classification (germline): Uncertain significance. Review status: criteria provided, multiple submitters, no conflicts (2 of 4 stars). 4 submissions from 4 submitters: Uncertain significance (4). Last evaluated 2026-08-01.

Conditions:
Hereditary sensory neuropathy-deafness-dementia syndrome. Also called: NEUROPATHY, HEREDITARY SENSORY, WITH HEARING LOSS AND DEMENTIA; Hereditary Sensory and Autonomic Neuropathy Type 1E (HSAN1E); HSN IE; Hereditary sensory neuropathy type IE. Identifiers: Orphanet 456318, MedGen C3279885, MONDO:0013584, OMIM 614116.
DNMT1-related disorder. Also called: DNMT1-related condition. Identifiers: MedGen CN381527.

Allele frequency attached by ClinVar (database versions not stated): gnomAD 0.00002; TOPMed 0.00003; ExAC 0.00004; gnomAD exomes 0.00004 and 0.00006; ESP Exome Variant Server 0.00015.
gnomAD v4.1: 89 of 1,613,954 alleles (0.0055%); highest among the groups gnomAD compares: Non-Finnish European, 0.0065%; no homozygotes.

Submissions (4):

CeGaT Center for Human Genetics Tuebingen
Classification: Uncertain significance. Last evaluated: 2026-08-01. Review status: criteria provided, single submitter. Criteria: CeGaT Center For Human Genetics Tuebingen Variant Classification Criteria Version 2. Collection method: clinical testing. Allele origin: germline. Affected: yes. Observed: 3 variant alleles.

PreventionGenetics, part of Exact Sciences
Classification: Uncertain significance for DNMT1-related condition. Last evaluated: 2026-07-06. Review status: criteria provided, single submitter. Criteria: ACMG Guidelines, 2015. Collection method: clinical testing. Allele origin: germline.
Comment: The DNMT1 c.3519A>C variant is predicted to result in the amino acid substitution p.Gln1173His. To our knowledge, this variant has not been reported in the literature. This variant is reported in 0.0085% of alleles in individuals of Latino descent in gnomAD. At this time, the clinical significance of this variant is uncertain due to the absence of conclusive functional and genetic evidence.

Labcorp Genetics (formerly Invitae), Labcorp
Classification: Uncertain significance for Hereditary sensory neuropathy-deafness-dementia syndrome. Last evaluated: 2025-11-18. Review status: criteria provided, single submitter. Criteria: Invitae Variant Classification Sherloc (09022015). Collection method: clinical testing. Allele origin: germline.
Comment: This sequence change replaces glutamine, which is neutral and polar, with histidine, which is basic and polar, at codon 1173 of the DNMT1 protein (p.Gln1173His). This variant is present in population databases (rs151305495, gnomAD 0.009%). This missense change has been observed in individual(s) with autosomal dominant hereditary sensory and autonomic neuropathy (internal data). ClinVar contains an entry for this variant (Variation ID: 426877). Invitae Evidence Modeling of protein sequence and biophysical properties (such as structural, functional, and spatial information, amino acid conservation, physicochemical variation, residue mobility, and thermodynamic stability) indicates that this missense variant is expected to disrupt DNMT1 protein function with a positive predictive value of 80%. In summary, the available evidence is currently insufficient to determine the role of this variant in disease. Therefore, it has been classified as a Variant of Uncertain Significance.

GeneDx
Classification: Uncertain significance. Last evaluated: 2019-08-22. Review status: criteria provided, single submitter. Criteria: GeneDx Variant Classification Process June 2021. Collection method: clinical testing. Allele origin: germline. Affected: yes.
Comment: Has not been previously published as pathogenic or benign to our knowledge; In silico analysis, which includes protein predictors and evolutionary conservation, supports a deleterious effect

NM_001130823.3(DNMT1):c.3519A>C (p.Gln1173His)

Gene: DNMT1 (DNA methyltransferase 1; minus strand). Cytogenetic location: 19p13.2.
Variant type: single nucleotide variant.
Coding change: c.3519A>C on transcript NM_001130823.3 (MANE Select); coding-DNA position 3519, A replaced by C.
Protein change: p.Gln1173His; replaces glutamine 1173 with histidine.
Molecular consequence: missense variant.
Genome position (GRCh38, 1-based): chr19:10,140,785, T>G on the plus strand (A>C on the coding strand, the complement: DNMT1 is on the minus strand). VCF-style: chr19-10140785-T-G. GRCh37 (hg19) VCF-style: chr19-10251461-T-G.
Other names: c.3519A>C (NM_001130823.2, LRG_362t1); c.3471A>C, p.Gln1157His (NM_001318730.2, NM_001379.4); c.3156A>C, p.Gln1052His (NM_001318731.2); short protein forms Q1173H, Q1052H, Q1157H.
Identifiers: ClinVar variation 426877 (VCV000426877.33), dbSNP rs151305495, ClinGen allele CA9187739.